The following is an entry in ClinVar:

NM_001312909.2(FAM111A):c.616A>T (p.Lys206Ter)

Gene: FAM111A (FAM111 trypsin like peptidase A; plus strand). Cytogenetic location: 11q12.1.
Variant type: single nucleotide variant.
Coding change: c.616A>T on transcript NM_001312909.2 (MANE Select); coding-DNA position 616, A replaced by T.
Protein change: p.Lys206Ter; replaces lysine 206 with a stop codon.
Molecular consequence: nonsense.
Genome position (GRCh38, 1-based): chr11:59,152,284, A>T. VCF-style: chr11-59152284-A-T. GRCh37 (hg19) VCF-style: chr11-58919757-A-T.
Other names: c.616A>T, p.Lys206Ter (NM_001374855.1, NM_001374856.1, NM_001374857.1 and 29 more transcripts); short protein forms K206*.
Identifiers: ClinVar variation 5020051 (VCV005020051.2).

ClinVar aggregate classification (germline): Uncertain significance (1 of 4 stars; one submission).

Conditions:
Autosomal dominant Kenny-Caffey syndrome. Also called: Kenny-Caffey syndrome type 2. Identifiers: Orphanet 2333, Orphanet 93325, MedGen C4316787, MONDO:0007478, OMIM 127000.
Osteocraniostenosis (GCLEB). Also called: Osteocraniostenosis (Gracile Bone Dysplasia); OSTEOCRANIOSPLENIC SYNDROME; HABRODYSPLASIA. Identifiers: Orphanet 2763, MedGen C1865639, MONDO:0011215, OMIM 602361.

Submission:

Juno Genomics, Hangzhou Juno Genomics, Inc
Classification: Uncertain significance for Osteocraniostenosis; Autosomal dominant Kenny-Caffey syndrome. Review status: criteria provided, single submitter. Criteria: ACMG Guidelines, 2015. Collection method: clinical testing. Allele origin: germline.
Comment: Absent from controls (or at extremely low frequency if recessive) in Genome Aggregation Database.